The following is an entry in ClinVar:

ClinVar aggregate classification (germline): Uncertain significance. Review status: criteria provided, multiple submitters, no conflicts (2 of 4 stars). 2 submissions from 2 submitters: Uncertain significance (2). Last evaluated 2023-03-16.

Conditions:
Tuberous sclerosis 2 (TSC2). Identifiers: Orphanet 805, MedGen C1860707, MONDO:0013199, OMIM 613254.

Submissions (2):

Labcorp Genetics (formerly Invitae), Labcorp
Classification: Uncertain significance for Tuberous sclerosis 2. Last evaluated: 2023-03-16. Review status: criteria provided, single submitter. Criteria: Invitae Variant Classification Sherloc (09022015). Collection method: clinical testing. Allele origin: germline.
Comment: This variant is not present in population databases (gnomAD no frequency). In summary, the available evidence is currently insufficient to determine the role of this variant in disease. Therefore, it has been classified as a Variant of Uncertain Significance. Advanced modeling of protein sequence and biophysical properties (such as structural, functional, and spatial information, amino acid conservation, physicochemical variation, residue mobility, and thermodynamic stability) performed at Invitae indicates that this missense variant is not expected to disrupt TSC2 protein function. ClinVar contains an entry for this variant (Variation ID: 937246). This variant has not been reported in the literature in individuals affected with TSC2-related conditions. This sequence change replaces alanine, which is neutral and non-polar, with proline, which is neutral and non-polar, at codon 1258 of the TSC2 protein (p.Ala1258Pro).

GeneDx
Classification: Uncertain significance. Last evaluated: 2022-11-03. Review status: criteria provided, single submitter. Criteria: GeneDx Variant Classification Process June 2021. Collection method: clinical testing. Allele origin: germline. Affected: yes.
Comment: Not observed at significant frequency in large population cohorts (gnomAD); In silico analysis supports that this missense variant does not alter protein structure/function; Has not been previously published as pathogenic or benign to our knowledge

NM_000548.5(TSC2):c.3772G>C (p.Ala1258Pro)

Gene: TSC2 (TSC complex subunit 2; plus strand). Cytogenetic location: 16p13.3.
Variant type: single nucleotide variant.
Coding change: c.3772G>C on transcript NM_000548.5 (MANE Select); coding-DNA position 3772, G replaced by C.
Protein change: p.Ala1258Pro; replaces alanine 1258 with proline.
Molecular consequence: missense variant.
Genome position (GRCh38, 1-based): chr16:2,081,756, G>C. VCF-style: chr16-2081756-G-C. GRCh37 (hg19) VCF-style: chr16-2131757-G-C.
Other names: c.3040G>C, p.Ala1014Pro (NM_001318831.2); c.3673G>C, p.Ala1225Pro (NM_001318832.2); c.3643G>C, p.Ala1215Pro (NM_001363528.2, NM_001370405.1, NM_021055.3); c.3640G>C, p.Ala1214Pro (NM_001370404.1, NM_001077183.3); c.3772G>C, p.Ala1258Pro (NM_001114382.3); c.3532G>C, p.Ala1178Pro (NM_001318827.2); c.3496G>C, p.Ala1166Pro (NM_001318829.2); short protein forms A1178P, A1215P, A1225P, A1258P, A1166P, A1014P, A1214P.
Identifiers: ClinVar variation 937246 (VCV000937246.10), dbSNP rs2090168528, ClinGen allele CA394293314.